The following is an entry in ClinVar:

ClinVar aggregate classification (germline): Uncertain significance (1 of 4 stars; one submission).

gnomAD v4.1: 19 of 1,613,566 alleles (0.0012%); highest among the groups gnomAD compares: East Asian, 0.031%; no homozygotes.

Submission:

Labcorp Genetics (formerly Invitae), Labcorp
Classification: Uncertain significance. Last evaluated: 2025-04-30. Review status: criteria provided, single submitter. Criteria: Invitae Variant Classification Sherloc (09022015). Collection method: clinical testing. Allele origin: germline.
Comment: This sequence change replaces valine, which is neutral and non-polar, with leucine, which is neutral and non-polar, at codon 605 of the TRIM28 protein (p.Val605Leu). This variant is present in population databases (rs776245218, gnomAD 0.05%). This variant has not been reported in the literature in individuals affected with TRIM28-related conditions. Experimental studies and prediction algorithms are not available or were not evaluated, and the functional significance of this variant is currently unknown. In summary, the available evidence is currently insufficient to determine the role of this variant in disease. Therefore, it has been classified as a Variant of Uncertain Significance.

NM_005762.3(TRIM28):c.1813G>C (p.Val605Leu)

Gene: TRIM28 (tripartite motif containing 28; plus strand). Cytogenetic location: 19q13.43.
Variant type: single nucleotide variant.
Coding change: c.1813G>C on transcript NM_005762.3 (MANE Select); coding-DNA position 1813, G replaced by C.
Protein change: p.Val605Leu; replaces valine 605 with leucine.
Molecular consequence: missense variant.
Genome position (GRCh38, 1-based): chr19:58,549,481, G>C. VCF-style: chr19-58549481-G-C. GRCh37 (hg19) VCF-style: chr19-59060848-G-C.
Other names: short protein forms V605L.
Identifiers: ClinVar variation 4811152 (VCV004811152.1).
Genomic context (GRCh38, chr19:58,549,481, plus strand): 5'-CCTGGTGCTGAGGGTCCCCGCCTGGCCTCACCTAGTGGCAGCACCAGCTCAGGGCTGGAG[G>C]TGGTGGCTCCTGAGGGTACCTCAGCCCCAGGTGGTGGCCCGGGAACCCTGGATGACAGTG-3'
Protein context (NP_005753.1, residues 595-615): PSGSTSSGLE[Val605Leu]VAPEGTSAPG